The following is an entry in ClinVar:

ClinVar aggregate classification (germline): Pathogenic (1 of 4 stars; one submission).

Submission:

Labcorp Genetics (formerly Invitae), Labcorp
Classification: Pathogenic. Last evaluated: 2024-06-08. Review status: criteria provided, single submitter. Criteria: Invitae Variant Classification Sherloc (09022015). Collection method: clinical testing. Allele origin: germline.
Comment: This sequence change creates a premature translational stop signal (p.Glu19Argfs*97) in the COL13A1 gene. It is expected to result in an absent or disrupted protein product. Loss-of-function variants in COL13A1 are known to be pathogenic (PMID: 26626625). This variant is not present in population databases (gnomAD no frequency). This variant has not been reported in the literature in individuals affected with COL13A1-related conditions. ClinVar contains an entry for this variant (Variation ID: 1444676). For these reasons, this variant has been classified as Pathogenic.

Literature cited by the submitters: PubMed 26626625.

NM_001368882.1(COL13A1):c.55_62del (p.Glu19fs)

Gene: COL13A1 (collagen type XIII alpha 1 chain; plus strand). Cytogenetic location: 10q22.1.
Variant type: Deletion.
Coding change: c.55_62del on transcript NM_001368882.1 (MANE Select); coding-DNA positions 55 to 62, 8 bases deleted (GAGTTGGG; older notation c.55_62delGAGTTGGG).
Protein change: p.Glu19fs; shifts the reading frame from glutamic acid 19.
Molecular consequence: frameshift variant. On other transcripts: 5 prime UTR variant (1).
Genome position (GRCh38, 1-based): chr10:69,802,478-69,802,485, GAGTTGGG deleted; deleting any 8 consecutive bases within chr10:69,802,474-69,802,485 gives the same sequence; the c. name uses the placement nearest the transcript's 3' end. VCF-style (leftmost placement, unchanged base first): chr10-69802473-CTGGGGAGT-C. GRCh37 (hg19) VCF-style: chr10-71562229-CTGGGGAGT-C.
Other names: c.55_62del, p.Glu19fs (NM_001130103.2, NM_001320951.2, NM_001368883.1 and 11 more transcripts); c.-599_-592del (NM_001368886.1); short protein forms E19fs.
Identifiers: ClinVar variation 1444676 (VCV001444676.6), dbSNP rs1340672941, ClinGen allele CA667960583.